The following is an entry in ClinVar:

ClinVar aggregate classification (germline): Uncertain significance (1 of 4 stars; one submission).

gnomAD v4.1: 1 of 1,544,046 alleles (0.000065%); highest among the groups gnomAD compares: Non-Finnish European, 0.000087%; no homozygotes.

Submission:

Labcorp Genetics (formerly Invitae), Labcorp
Classification: Uncertain significance. Last evaluated: 2024-04-08. Review status: criteria provided, single submitter. Criteria: Invitae Variant Classification Sherloc (09022015). Collection method: clinical testing. Allele origin: germline.
Comment: This sequence change replaces tyrosine, which is neutral and polar, with cysteine, which is neutral and slightly polar, at codon 746 of the CLCN7 protein (p.Tyr746Cys). This variant is not present in population databases (gnomAD no frequency). This variant has not been reported in the literature in individuals affected with CLCN7-related conditions. An algorithm developed to predict the effect of missense changes on protein structure and function (PolyPhen-2) suggests that this variant is likely to be disruptive. In summary, the available evidence is currently insufficient to determine the role of this variant in disease. Therefore, it has been classified as a Variant of Uncertain Significance.

NM_001287.6(CLCN7):c.2237A>G (p.Tyr746Cys)

Gene: CLCN7 (chloride voltage-gated channel 7; minus strand). Cytogenetic location: 16p13.3.
Variant type: single nucleotide variant.
Coding change: c.2237A>G on transcript NM_001287.6 (MANE Select); coding-DNA position 2237, A replaced by G.
Protein change: p.Tyr746Cys; replaces tyrosine 746 with cysteine.
Molecular consequence: missense variant.
Genome position (GRCh38, 1-based): chr16:1,447,405, T>C on the plus strand (A>G on the coding strand, the complement: CLCN7 is on the minus strand). VCF-style: chr16-1447405-T-C. GRCh37 (hg19) VCF-style: chr16-1497406-T-C.
Other names: c.2165A>G, p.Tyr722Cys (NM_001114331.3); short protein forms Y722C, Y746C.
Identifiers: ClinVar variation 3685157 (VCV003685157.2).